The following is an entry in ClinVar:

NM_000168.6(GLI3):c.3490G>T (p.Glu1164Ter)

Gene: GLI3 (GLI family zinc finger 3; minus strand). Cytogenetic location: 7p14.1.
Variant type: single nucleotide variant.
Coding change: c.3490G>T on transcript NM_000168.6 (MANE Select); coding-DNA position 3490, G replaced by T.
Protein change: p.Glu1164Ter; replaces glutamic acid 1164 with a stop codon.
Molecular consequence: nonsense.
Genome position (GRCh38, 1-based): chr7:41,965,583, C>A on the plus strand (G>T on the coding strand, the complement: GLI3 is on the minus strand). VCF-style: chr7-41965583-C-A. GRCh37 (hg19) VCF-style: chr7-42005181-C-A.
Other names: short protein forms E1164*.
Identifiers: ClinVar variation 2506788 (VCV002506788.1), dbSNP rs1347050404, ClinGen allele CA367317926.

ClinVar aggregate classification (germline): Pathogenic (1 of 4 stars; one submission).

Submission:

GeneDx
Classification: Pathogenic. Last evaluated: 2023-06-25. Review status: criteria provided, single submitter. Criteria: GeneDx Variant Classification Process June 2021. Collection method: clinical testing. Allele origin: germline. Affected: yes.
Comment: Nonsense variant predicted to result in protein truncation, as the last 417 amino acids are lost, and other loss-of-function variants have been reported downstream in HGMD; Not observed at significant frequency in large population cohorts (gnomAD); Has not been previously published as pathogenic or benign to our knowledge